The following is an entry in ClinVar:

ClinVar aggregate classification (germline): Uncertain significance (1 of 4 stars; one submission).

Submission:

Labcorp Genetics (formerly Invitae), Labcorp
Classification: Uncertain significance. Last evaluated: 2024-10-23. Review status: criteria provided, single submitter. Criteria: Invitae Variant Classification Sherloc (09022015). Collection method: clinical testing. Allele origin: germline.
Comment: This sequence change replaces valine, which is neutral and non-polar, with leucine, which is neutral and non-polar, at codon 379 of the FZD2 protein (p.Val379Leu). This variant is present in population databases (rs746685961, gnomAD 0.0009%). This variant has not been reported in the literature in individuals affected with FZD2-related conditions. Invitae Evidence Modeling of protein sequence and biophysical properties (such as structural, functional, and spatial information, amino acid conservation, physicochemical variation, residue mobility, and thermodynamic stability) indicates that this missense variant is not expected to disrupt FZD2 protein function with a negative predictive value of 80%. In summary, the available evidence is currently insufficient to determine the role of this variant in disease. Therefore, it has been classified as a Variant of Uncertain Significance.

NM_001466.4(FZD2):c.1135G>T (p.Val379Leu)

Gene: FZD2 (frizzled class receptor 2; plus strand). Cytogenetic location: 17q21.31.
Variant type: single nucleotide variant.
Coding change: c.1135G>T on transcript NM_001466.4 (MANE Select); coding-DNA position 1135, G replaced by T.
Protein change: p.Val379Leu; replaces valine 379 with leucine.
Molecular consequence: missense variant.
Genome position (GRCh38, 1-based): chr17:44,558,823, G>T. VCF-style: chr17-44558823-G-T. GRCh37 (hg19) VCF-style: chr17-42636191-G-T.
Other names: short protein forms V379L.
Identifiers: ClinVar variation 2971650 (VCV002971650.3), dbSNP rs746685961, ClinGen allele CA8604743.
Genomic context (GRCh38, chr17:44,558,823, plus strand): 5'-AAGTGGGGCCACGAGGCCATCGAGGCCAACTCTCAGTACTTCCACCTGGCCGCCTGGGCC[G>T]TGCCGGCCGTCAAGACCATCACCATCCTGGCCATGGGCCAGATCGACGGCGACCTGCTGA-3'
Protein context (NP_001457.1, residues 369-389): SQYFHLAAWA[Val379Leu]PAVKTITILA